The following is an entry in ClinVar:

NM_000875.5(IGF1R):c.1118A>C (p.Glu373Ala)

Gene: IGF1R (insulin like growth factor 1 receptor; plus strand). Cytogenetic location: 15q26.3.
Variant type: single nucleotide variant.
Coding change: c.1118A>C on transcript NM_000875.5 (MANE Select); coding-DNA position 1118, A replaced by C.
Protein change: p.Glu373Ala; replaces glutamic acid 373 with alanine.
Molecular consequence: missense variant.
Genome position (GRCh38, 1-based): chr15:98,899,492, A>C. VCF-style: chr15-98899492-A-C. GRCh37 (hg19) VCF-style: chr15-99442721-A-C.
Other names: c.1118A>C, p.Glu373Ala (NM_001291858.2); short protein forms E373A.
Identifiers: ClinVar variation 3108521 (VCV003108521.1), dbSNP rs2505986593, ClinGen allele CA393672090.
Genomic context (GRCh38, chr15:98,899,492, plus strand): 5'-TTACACCAAGTGAGCACACAGTGACACAATCCCCTTTCAATGTAGATAACATTGCTTCAG[A>C]GCTGGAGAACTTCATGGGGCTCATCGAGGTGGTGACGGGCTACGTGAAGATCCGCCATTC-3'
Protein context (NP_000866.1, residues 363-383): NIRRGNNIAS[Glu373Ala]LENFMGLIEV

ClinVar aggregate classification (germline): Uncertain significance (1 of 4 stars; one submission).

Conditions:
Inborn genetic diseases. Identifiers: MedGen C0950123, MeSH D030342.

Submission:

Ambry Genetics
Classification: Uncertain significance for Inborn genetic diseases. Last evaluated: 2024-02-17. Review status: criteria provided, single submitter. Criteria: Ambry Variant Classification Scheme 2023. Collection method: clinical testing. Allele origin: germline.
Comment: The c.1118A>C (p.E373A) alteration is located in exon 5 (coding exon 5) of the IGF1R gene. This alteration results from an A to C substitution at nucleotide position 1118, causing the glutamic acid (E) at amino acid position 373 to be replaced by an alanine (A). This variant was not reported in population-based cohorts in the Genome Aggregation Database (gnomAD). This amino acid position is highly conserved in available vertebrate species. This alteration is predicted to be deleterious by in silico analysis. Based on insufficient or conflicting evidence, the clinical significance of this alteration remains unclear.